The following is an entry in ClinVar:

NM_006420.3(ARFGEF2):c.4516G>A (p.Asp1506Asn)

Gene: ARFGEF2 (ARF guanine nucleotide exchange factor 2; plus strand). Cytogenetic location: 20q13.13.
Variant type: single nucleotide variant.
Coding change: c.4516G>A on transcript NM_006420.3 (MANE Select); coding-DNA position 4516, G replaced by A.
Protein change: p.Asp1506Asn; replaces aspartic acid 1506 with asparagine.
Molecular consequence: missense variant.
Genome position (GRCh38, 1-based): chr20:49,018,890, G>A. VCF-style: chr20-49018890-G-A. GRCh37 (hg19) VCF-style: chr20-47635427-G-A.
Other names: short protein forms D1506N.
Identifiers: ClinVar variation 1420318 (VCV001420318.4), dbSNP rs374800429, ClinGen allele CA9899246.
Genomic context (GRCh38, chr20:49,018,890, plus strand): 5'-CCAAATTATCATGAAGAAAAGTGAGCATTGTGTTTCCCTCTGGTTTACATTTAGGATGTG[G>A]ATCTGGACCGCCAGTCTTTAAGCAGCATAGATAAAAATCCCTCTGAGAGGGGACAGAGCC-3'
Protein context (NP_006411.2, residues 1496-1516): EDSSEKHLDV[Asp1506Asn]LDRQSLSSID

ClinVar aggregate classification (germline): Uncertain significance (1 of 4 stars; one submission).

Allele frequency attached by ClinVar (database versions not stated): gnomAD 0.00007 and 0.00008; gnomAD exomes 0.00001; TOPMed 0.00003; ESP Exome Variant Server 0.00008; ExAC 0.00001.
gnomAD v4.1: 86 of 1,613,426 alleles (0.0053%); highest among the groups gnomAD compares: Non-Finnish European, 0.0069%; no homozygotes.

Submission:

Labcorp Genetics (formerly Invitae), Labcorp
Classification: Uncertain significance. Last evaluated: 2025-09-02. Review status: criteria provided, single submitter. Criteria: Invitae Variant Classification Sherloc (09022015). Collection method: clinical testing. Allele origin: germline.
Comment: This sequence change replaces aspartic acid, which is acidic and polar, with asparagine, which is neutral and polar, at codon 1506 of the ARFGEF2 protein (p.Asp1506Asn). This variant is present in population databases (rs374800429, gnomAD 0.01%). This variant has not been reported in the literature in individuals affected with ARFGEF2-related conditions. ClinVar contains an entry for this variant (Variation ID: 1420318). An algorithm developed to predict the effect of missense changes on protein structure and function (PolyPhen-2) suggests that this variant is likely to be tolerated. In summary, the available evidence is currently insufficient to determine the role of this variant in disease. Therefore, it has been classified as a Variant of Uncertain Significance.